The following is an entry in ClinVar:

NM_000038.6(APC):c.2245T>G (p.Leu749Val)

Gene: APC (APC regulator of Wnt signaling pathway; plus strand). Cytogenetic location: 5q22.2.
Variant type: single nucleotide variant.
Coding change: c.2245T>G on transcript NM_000038.6 (MANE Select); coding-DNA position 2245, T replaced by G.
Protein change: p.Leu749Val; replaces leucine 749 with valine.
Molecular consequence: missense variant.
Genome position (GRCh38, 1-based): chr5:112,837,839, T>G. VCF-style: chr5-112837839-T-G. GRCh37 (hg19) VCF-style: chr5-112173536-T-G.
Other names: c.2245T>G, p.Leu749Val (NM_001127510.3, NM_001354895.2); c.2191T>G, p.Leu731Val (NM_001127511.3); c.2299T>G, p.Leu767Val (NM_001354896.2); c.2275T>G, p.Leu759Val (NM_001354897.2); c.2170T>G, p.Leu724Val (NM_001354898.2); c.2161T>G, p.Leu721Val (NM_001354899.2); c.2122T>G, p.Leu708Val (NM_001354900.2); c.2068T>G, p.Leu690Val (NM_001354901.2); and 5 more; short protein forms L589V, L690V, L708V, L749V, L648V, L767V, L466V, L721V.
Identifiers: ClinVar variation 820957 (VCV000820957.5), dbSNP rs976000214, ClinGen allele CA16026251.

ClinVar aggregate classification (germline): Uncertain significance (1 of 4 stars; one submission).

Conditions:
Hereditary cancer-predisposing syndrome. Also called: Neoplastic Syndromes, Hereditary; Tumor predisposition; Hereditary Cancer Syndrome; Hereditary neoplastic syndrome. Identifiers: Orphanet 140162, MedGen C0027672, MeSH D009386, MONDO:0015356.

Allele frequency attached by ClinVar (database versions not stated): gnomAD exomes below 0.00001.
gnomAD v4.1: 2 of 1,614,054 alleles (0.00012%); highest among the groups gnomAD compares: African/African-American, 0.0013%; no homozygotes.

Submission:

Ambry Genetics
Classification: Uncertain significance for Hereditary cancer-predisposing syndrome. Last evaluated: 2025-09-18. Review status: criteria provided, single submitter. Criteria: Ambry Variant Classification Scheme 2023. Collection method: clinical testing. Allele origin: germline.
Comment: The p.L749V variant (also known as c.2245T>G), located in coding exon 15 of the APC gene, results from a T to G substitution at nucleotide position 2245. The leucine at codon 749 is replaced by valine, an amino acid with highly similar properties. This amino acid position is not well conserved in available vertebrate species. In addition, in silico predictors for this gene do not accurately predict pathogenicity. Based on the available evidence, the clinical significance of this variant remains unclear.